The following is an entry in ClinVar:

ClinVar aggregate classification (germline): Uncertain significance (1 of 4 stars; one submission).

Allele frequency attached by ClinVar (database versions not stated): gnomAD exomes below 0.00001.

Submission:

Labcorp Genetics (formerly Invitae), Labcorp
Classification: Uncertain significance. Last evaluated: 2025-01-06. Review status: criteria provided, single submitter. Criteria: Invitae Variant Classification Sherloc (09022015). Collection method: clinical testing. Allele origin: germline.
Comment: This sequence change creates a premature translational stop signal (p.Asp1484Glufs*4) in the GPR179 gene. While this is not anticipated to result in nonsense mediated decay, it is expected to disrupt the last 884 amino acid(s) of the GPR179 protein. This variant is not present in population databases (gnomAD no frequency). This variant has not been reported in the literature in individuals affected with GPR179-related conditions. ClinVar contains an entry for this variant (Variation ID: 1957446). Experimental studies and prediction algorithms are not available or were not evaluated, and the functional significance of this variant is currently unknown. In summary, the available evidence is currently insufficient to determine the role of this variant in disease. Therefore, it has been classified as a Variant of Uncertain Significance.

NM_001004334.4(GPR179):c.4452del (p.Asp1484fs)

Gene: GPR179 (G protein-coupled receptor 179; minus strand). Cytogenetic location: 17q12.
Variant type: Deletion.
Coding change: c.4452del on transcript NM_001004334.4 (MANE Select); coding-DNA position 4452, one base deleted (T; older notation c.4452delT).
Protein change: p.Asp1484fs; shifts the reading frame from aspartic acid 1484.
Molecular consequence: frameshift variant.
Genome position (GRCh38, 1-based): chr17:38,329,117, A deleted on the plus strand (T on the coding strand, the reverse complement: GPR179 is on the minus strand). VCF-style (leftmost placement, unchanged base first): chr17-38329116-CA-C. GRCh37 (hg19) VCF-style: chr17-36484999-CA-C.
Other names: short protein forms D1484fs.
Identifiers: ClinVar variation 1957446 (VCV001957446.5), dbSNP rs2037323221, ClinGen allele CA2258552305.